The following is an entry in ClinVar:

ClinVar aggregate classification (germline): Pathogenic (1 of 4 stars; one submission).

Conditions:
Retinitis pigmentosa (RP). Identifiers: Orphanet 791, MedGen C0035334, MeSH D012174, MONDO:0019200, OMIM 268000. Inheritance: Autosomal dominant, autosomal recessive and X linked inheritance.

Submission:

Ophthalmic Genetics Group, Institute of Molecular and Clinical Ophthalmology Basel
Classification: Pathogenic for Retinitis pigmentosa. Last evaluated: 2025-10-01. Review status: criteria provided, single submitter. Criteria: ACMG Guidelines, 2015. Collection method: research. Allele origin: germline. Affected: yes. Observed: 44 variant alleles.
Comment: The NR_104088.1:n.55_56insG variant is a single base-pair insertion in RNU6-8. It was found in 12 unrelated probands with retinitis pigmentosa among ~5,000 cases tested. It is absent from gnomAD (v4.1.0) and from AllofUs. It was therefore significantly enriched (Fisher's exact test) in cases vs controls and we applied PS4 criteria. PM2_sup was not applied to avoid counting evidence already used for PS4 criteria. It also was present in 31 affected family members and therefore PP1_strong was applied. It was also shown to affect a conserved region and to have an effect on the U4/U6 duplex modeled in 2D. In summary, using ACMG criteria and more specifically ClinGen recommendations, this variant was classified as pathogenic with PS4 and PP1_strong criteria.

NR_104088.1(RNU6-8):n.55_56insG

Gene: RNU6-8 (RNA, U6 small nuclear 8; minus strand). Cytogenetic location: 14q12.
Variant type: Insertion.
Molecular consequence: non-coding transcript variant (on NR_104088.1).
Genome position: GRCh38 VCF-style: chr14-32203214-T-TC. GRCh37 (hg19) VCF-style: chr14-32672420-T-TC.
Other names: NC_000014.9:g.32203214_32203215insC.
Identifiers: ClinVar variation 4282511 (VCV004282511.1).
Genomic context (GRCh38, chr14:32,203,214, plus strand): 5'-CAGACTGCGCAAAATATGGAACGCTTCACGAATTTGCGTGTCATCCTTGCGCAGGGGCCA[T>TC]GCTAATCTTCTCTGTATCGTTCCAATTTTAGTATATGTGCTGCCGAAGCGAGCACGTTGA-3'